The following is an entry in ClinVar:

NM_005219.5(DIAPH1):c.2772C>T (p.Gly924=)

Gene: DIAPH1 (diaphanous related formin 1; minus strand). Cytogenetic location: 5q31.3.
Variant type: single nucleotide variant.
Coding change: c.2772C>T on transcript NM_005219.5 (MANE Select); coding-DNA position 2772, C replaced by T.
Protein change: p.Gly924=; no amino-acid change (glycine 924 retained).
Molecular consequence: synonymous variant.
Genome position (GRCh38, 1-based): chr5:141,529,178, G>A on the plus strand (C>T on the coding strand, the complement: DIAPH1 is on the minus strand). VCF-style: chr5-141529178-G-A. GRCh37 (hg19) VCF-style: chr5-140908745-G-A.
Other names: p.Gly924Gly; c.2745C>T, p.Gly915= (NM_001079812.3); c.2772C>T, p.Gly924= (NM_001314007.2).
Identifiers: ClinVar variation 582965 (VCV000582965.23), dbSNP rs779376542, ClinGen allele CA3478964.

ClinVar aggregate classification (germline): Likely benign. Review status: criteria provided, multiple submitters, no conflicts (2 of 4 stars). 4 submissions from 4 submitters: Likely benign (4). Last evaluated 2025-11-26.

Conditions:
Progressive microcephaly-seizures-cortical blindness-developmental delay syndrome. Also called: Seizures, cortical blindness, and microcephaly syndrome. Identifiers: Orphanet 477814, MedGen C5567650, MONDO:0014714, OMIM 616632.
Autosomal dominant nonsyndromic hearing loss 1. Also called: KONIGSMARK SYNDROME; DEAFNESS, AUTOSOMAL DOMINANT 1, WITH OR WITHOUT THROMBOCYTOPENIA. Identifiers: Orphanet 90635, MedGen C1852282, MONDO:0007424, OMIM 124900.

Allele frequency attached by ClinVar (database versions not stated): gnomAD 0.00001; ExAC 0.00002; gnomAD exomes 0.00002 and 0.00003; TOPMed 0.00003.
gnomAD v4.1: 45 of 1,613,866 alleles (0.0028%); highest among the groups gnomAD compares: South Asian, 0.015%; no homozygotes.

Submissions (4):

Labcorp Genetics (formerly Invitae), Labcorp
Classification: Likely benign for Progressive microcephaly-seizures-cortical blindness-developmental delay syndrome; Autosomal dominant nonsyndromic hearing loss 1. Last evaluated: 2025-11-26. Review status: criteria provided, single submitter. Criteria: Invitae Variant Classification Sherloc (09022015). Collection method: clinical testing. Allele origin: germline.

CeGaT Center for Human Genetics Tuebingen
Classification: Likely benign. Last evaluated: 2025-03-01. Review status: criteria provided, single submitter. Criteria: CeGaT Center For Human Genetics Tuebingen Variant Classification Criteria Version 2. Collection method: clinical testing. Allele origin: germline. Affected: yes. Observed: 1 variant allele.
Comment: DIAPH1: BP4, BP7

Blueprint Genetics
Classification: Likely benign. Last evaluated: 2022-10-03. Review status: criteria provided, single submitter. Criteria: ACMG Guidelines, 2015. Collection method: clinical testing. Allele origin: germline.

Laboratory for Molecular Medicine, Mass General Brigham Personalized Medicine
Classification: Likely benign. Last evaluated: 2017-08-23. Review status: criteria provided, single submitter. Criteria: LMM Criteria. Collection method: clinical testing. Allele origin: germline. Observed: 1 variant allele.
Comment: p.Gly924Gly in exon 21 of DIAPH1: This variant is not expected to have clinical significance because it does not alter an amino acid residue and is not located within the splice consensus sequence. It has been identified in 0.01% (2/16512) of South Asian chromosomes by the Exome Aggregation Consortium (ExAC; dbSNP rs779376542).